The following is an entry in ClinVar:

ClinVar aggregate classification (germline): Uncertain significance (1 of 4 stars; one submission).

Conditions:
Myopathy, proximal, and ophthalmoplegia (CMYO6). Also called: MYOPATHY WITH CONGENITAL JOINT CONTRACTURES, OPHTHALMOPLEGIA, AND RIMMED VACUOLES; INCLUSION BODY MYOPATHY 3, AUTOSOMAL DOMINANT; CONGENITAL MYOPATHY 6 WITH OPHTHALMOPLEGIA. Identifiers: Orphanet 363677, Orphanet 79091, MedGen C1854106, MONDO:0011577, OMIM 605637.

Allele frequency attached by ClinVar (database versions not stated): gnomAD exomes below 0.00001; TOPMed below 0.00001; ExAC 0.00001; gnomAD 0.00001; ESP Exome Variant Server 0.00008.
gnomAD v4.1: 2 of 1,614,060 alleles (0.00012%); highest among the groups gnomAD compares: Middle Eastern, 0.016%; no homozygotes.

Submission:

Labcorp Genetics (formerly Invitae), Labcorp
Classification: Uncertain significance for Myopathy, proximal, and ophthalmoplegia. Last evaluated: 2025-04-10. Review status: criteria provided, single submitter. Criteria: Invitae Variant Classification Sherloc (09022015). Collection method: clinical testing. Allele origin: germline.
Comment: This sequence change replaces threonine, which is neutral and polar, with isoleucine, which is neutral and non-polar, at codon 71 of the MYH2 protein (p.Thr71Ile). This variant is present in population databases (rs145472283, gnomAD 0.0009%). This variant has not been reported in the literature in individuals affected with MYH2-related conditions. ClinVar contains an entry for this variant (Variation ID: 534341). Invitae Evidence Modeling of protein sequence and biophysical properties (such as structural, functional, and spatial information, amino acid conservation, physicochemical variation, residue mobility, and thermodynamic stability) indicates that this missense variant is not expected to disrupt MYH2 protein function with a negative predictive value of 80%. In summary, the available evidence is currently insufficient to determine the role of this variant in disease. Therefore, it has been classified as a Variant of Uncertain Significance.

NM_017534.6(MYH2):c.212C>T (p.Thr71Ile)

Genes: MYHAS (myosin heavy chain gene cluster antisense RNA; plus strand), MYH2 (myosin heavy chain 2; minus strand). Cytogenetic location: 17p13.1.
Variant type: single nucleotide variant.
Coding change: c.212C>T on transcript NM_017534.6 (MANE Select); coding-DNA position 212, C replaced by T.
Protein change: p.Thr71Ile; replaces threonine 71 with isoleucine.
Molecular consequence: missense variant.
Genome position (GRCh38, 1-based): chr17:10,547,611, G>A on the plus strand (C>T on the coding strand, the complement: MYH2 is on the minus strand). VCF-style: chr17-10547611-G-A. GRCh37 (hg19) VCF-style: chr17-10450928-G-A.
Other names: c.212C>T, p.Thr71Ile (NM_001100112.2); short protein forms T71I.
Identifiers: ClinVar variation 534341 (VCV000534341.8), dbSNP rs145472283, ClinGen allele CA8391693.